The following is an entry in ClinVar:

NM_001939.3(DRP2):c.26G>A (p.Cys9Tyr)

Gene: DRP2 (dystrophin related protein 2; plus strand). Cytogenetic location: Xq22.1.
Variant type: single nucleotide variant.
Coding change: c.26G>A on transcript NM_001939.3 (MANE Select); coding-DNA position 26, G replaced by A.
Protein change: p.Cys9Tyr; replaces cysteine 9 with tyrosine.
Molecular consequence: missense variant. On other transcripts: intron variant (1).
Genome position (GRCh38, 1-based): chrX:101,231,673, G>A. VCF-style: chrX-101231673-G-A. GRCh37 (hg19) VCF-style: chrX-100486662-G-A.
Other names: c.-117-4187G>A (NM_001171184.2); short protein forms C9Y.
Identifiers: ClinVar variation 3905974 (VCV003905974.10).
Genomic context (GRCh38, chrX:101,231,673, plus strand): 5'-GCCTATCCTCATCCCCCCCATGAGCCTTGGTTTTTATGCAACCTATGGTCATGCAGGGAT[G>A]CCCTTACACCCTCCCACGATGTCATGACTGGCAGGCAGCTGACCAGTTCCATCATAGCAG-3'
Protein context (NP_001930.2, residues 1-19): MQPMVMQG[Cys9Tyr]PYTLPRCHDW

ClinVar aggregate classification (germline): Uncertain significance (1 of 4 stars; one submission).

gnomAD v4.1: 1 of 1,211,272 alleles (0.000083%); no homozygotes.

Submission:

CeGaT Center for Human Genetics Tuebingen
Classification: Uncertain significance. Last evaluated: 2025-05-01. Review status: criteria provided, single submitter. Criteria: CeGaT Center For Human Genetics Tuebingen Variant Classification Criteria Version 2. Collection method: clinical testing. Allele origin: germline. Affected: yes. Observed: 1 variant allele.
Comment: DRP2: PM2